The following is an entry in ClinVar:

NM_001329943.3(KIAA0586):c.1254-13T>C

Gene: KIAA0586 (KIAA0586; plus strand). Cytogenetic location: 14q23.1.
Variant type: single nucleotide variant.
Coding change: c.1254-13T>C on transcript NM_001329943.3 (MANE Select); 13 bases into the intron before coding-DNA position 1254, T replaced by C.
Molecular consequence: intron variant.
Genome position (GRCh38, 1-based): chr14:58,456,689, T>C. VCF-style: chr14-58456689-T-C. GRCh37 (hg19) VCF-style: chr14-58923407-T-C.
Other names: c.1413-13T>C (NM_001244189.2); c.1209-13T>C (NM_001244190.2); c.1122-13T>C (NM_001244192.2); c.999-13T>C (NM_001244191.2, NM_001364701.2, NM_001329945.2 and 1 more transcripts); c.1254-13T>C (NM_001329944.2, NM_001329946.2, NM_001329947.2 and 1 more transcripts); c.834-13T>C (NM_001244193.2).
Identifiers: ClinVar variation 1218333 (VCV001218333.12), dbSNP rs368443727, ClinGen allele CA7205610.
Genomic context (GRCh38, chr14:58,456,689, plus strand): 5'-TTACTGAATTTACAACAATTTAGGAAACTTTTTCAAAAATCTTCTGTAGCGTTGAAACTC[T>C]ACCTTCTCAAAGATTTCCTTCCTGTGAAGAGCTAGAAACAACTAAAGTGACTATGCAGAA-3'

ClinVar aggregate classification (germline): Conflicting classifications of pathogenicity. Review status: criteria provided, conflicting classifications (1 of 4 stars). 3 submissions from 3 submitters: Uncertain significance (1); Likely benign (2). Last evaluated 2026-01-17.

Conditions:
Joubert syndrome 23 (JBTS23). Identifiers: Orphanet 475, MedGen C4084822, MONDO:0014664, OMIM 616490.
Short-rib thoracic dysplasia 14 with polydactyly (SRTD14). Identifiers: Orphanet 397715, MedGen C4225286, MONDO:0014688, OMIM 616546.

Allele frequency attached by ClinVar (database versions not stated): ExAC 0.00011; gnomAD exomes 0.00013 and 0.00047; TOPMed 0.00020; gnomAD 0.00023 and 0.00027; ESP Exome Variant Server 0.00025.
gnomAD v4.1: 643 of 1,470,426 alleles (0.044%); highest among the groups gnomAD compares: Non-Finnish European, 0.059%; no homozygotes.

Submissions (3):

Labcorp Genetics (formerly Invitae), Labcorp
Classification: Likely benign for Joubert syndrome 23; Short-rib thoracic dysplasia 14 with polydactyly. Last evaluated: 2026-01-17. Review status: criteria provided, single submitter. Criteria: Invitae Variant Classification Sherloc (09022015). Collection method: clinical testing. Allele origin: germline.

Blueprint Genetics
Classification: Likely benign. Last evaluated: 2023-07-07. Review status: criteria provided, single submitter. Criteria: ACMG Guidelines, 2015. Collection method: clinical testing. Allele origin: germline.

GeneDx
Classification: Uncertain significance. Last evaluated: 2021-07-27. Review status: criteria provided, single submitter. Criteria: GeneDx Variant Classification Process June 2021. Collection method: clinical testing. Allele origin: germline. Affected: yes.
Comment: Has not been previously published as pathogenic or benign to our knowledge; In-silico analysis, which includes splice predictors and evolutionary conservation, is inconclusive as to whether the variant alters gene splicing. In the absence of RNA/functional studies, the actual effect of this sequence change is unknown.